The following is an entry in ClinVar:

NM_006231.4(POLE):c.5196G>T (p.Gln1732His)

Gene: POLE (DNA polymerase epsilon, catalytic subunit; minus strand). Cytogenetic location: 12q24.33.
Variant type: single nucleotide variant.
Coding change: c.5196G>T on transcript NM_006231.4 (MANE Select); coding-DNA position 5196, G replaced by T.
Protein change: p.Gln1732His; replaces glutamine 1732 with histidine.
Molecular consequence: missense variant.
Genome position (GRCh38, 1-based): chr12:132,641,829, C>A on the plus strand (G>T on the coding strand, the complement: POLE is on the minus strand). VCF-style: chr12-132641829-C-A. GRCh37 (hg19) VCF-style: chr12-133218415-C-A.
Other names: c.5196G>T (NM_006231.2); short protein forms Q1732H.
Identifiers: ClinVar variation 1395944 (VCV001395944.9), dbSNP rs2138526164, ClinGen allele CA387376456.

ClinVar aggregate classification (germline): Uncertain significance. Review status: criteria provided, multiple submitters, no conflicts (2 of 4 stars). 2 submissions from 2 submitters: Uncertain significance (2). Last evaluated 2026-02-05.

Conditions:
Hereditary cancer-predisposing syndrome. Also called: Hereditary neoplastic syndrome; Tumor predisposition; Neoplastic Syndromes, Hereditary; Hereditary Cancer Syndrome. Identifiers: Orphanet 140162, MedGen C0027672, MeSH D009386, MONDO:0015356.

Submissions (2):

Ambry Genetics
Classification: Uncertain significance for Hereditary cancer-predisposing syndrome. Last evaluated: 2026-02-05. Review status: criteria provided, single submitter. Criteria: Ambry Variant Classification Scheme 2023. Collection method: clinical testing. Allele origin: germline.
Comment: The p.Q1732H variant (also known as c.5196G>T), located in coding exon 39 of the POLE gene, results from a G to T substitution at nucleotide position 5196. The glutamine at codon 1732 is replaced by histidine, an amino acid with highly similar properties. This amino acid position is highly conserved in available vertebrate species. In addition, the in silico prediction for this alteration is inconclusive. Based on the available evidence, the clinical significance of this variant remains unclear.

Labcorp Genetics (formerly Invitae), Labcorp
Classification: Uncertain significance. Last evaluated: 2022-03-08. Review status: criteria provided, single submitter. Criteria: Invitae Variant Classification Sherloc (09022015). Collection method: clinical testing. Allele origin: germline.
Comment: In summary, the available evidence is currently insufficient to determine the role of this variant in disease. Therefore, it has been classified as a Variant of Uncertain Significance. Algorithms developed to predict the effect of sequence changes on RNA splicing suggest that this variant may create or strengthen a splice site. Algorithms developed to predict the effect of missense changes on protein structure and function (SIFT, PolyPhen-2, Align-GVGD) all suggest that this variant is likely to be tolerated. This variant has not been reported in the literature in individuals affected with POLE-related conditions. This variant is not present in population databases (gnomAD no frequency). This sequence change replaces glutamine, which is neutral and polar, with histidine, which is basic and polar, at codon 1732 of the POLE protein (p.Gln1732His).